The following is an entry in ClinVar:

NM_001134831.2(AHI1):c.1939A>T (p.Met647Leu)

Gene: AHI1 (Abelson helper integration site 1; minus strand). Cytogenetic location: 6q23.3.
Variant type: single nucleotide variant.
Coding change: c.1939A>T on transcript NM_001134831.2 (MANE Select); coding-DNA position 1939, A replaced by T.
Protein change: p.Met647Leu; replaces methionine 647 with leucine.
Molecular consequence: missense variant.
Genome position (GRCh38, 1-based): chr6:135,438,472, T>A on the plus strand (A>T on the coding strand, the complement: AHI1 is on the minus strand). VCF-style: chr6-135438472-T-A. GRCh37 (hg19) VCF-style: chr6-135759610-T-A.
Other names: c.1939A>T, p.Met647Leu (NM_001134830.2, NM_001134832.2, NM_001350503.2 and 2 more transcripts); short protein forms M647L.
Identifiers: ClinVar variation 2418994 (VCV002418994.5), dbSNP rs1333577695, ClinGen allele CA365744341.

ClinVar aggregate classification (germline): Uncertain significance (1 of 4 stars; one submission).

Conditions:
Joubert syndrome. Also called: CEREBELLOPARENCHYMAL DISORDER IV; JOUBERT-BOLTSHAUSER SYNDROME; Familial aplasia of the vermis. Identifiers: Orphanet 475, MedGen C5979921, MONDO:0018772.

gnomAD v4.1: 6 of 1,549,758 alleles (0.00039%); highest among the groups gnomAD compares: African/African-American, 0.0068%; no homozygotes.

Submission:

Labcorp Genetics (formerly Invitae), Labcorp
Classification: Uncertain significance for Joubert syndrome. Last evaluated: 2022-07-12. Review status: criteria provided, single submitter. Criteria: Invitae Variant Classification Sherloc (09022015). Collection method: clinical testing. Allele origin: germline.
Comment: This sequence change replaces methionine, which is neutral and non-polar, with leucine, which is neutral and non-polar, at codon 647 of the AHI1 protein (p.Met647Leu). This variant is present in population databases (no rsID available, gnomAD 0.02%). This variant has not been reported in the literature in individuals affected with AHI1-related conditions. Advanced modeling of protein sequence and biophysical properties (such as structural, functional, and spatial information, amino acid conservation, physicochemical variation, residue mobility, and thermodynamic stability) performed at Invitae indicates that this missense variant is not expected to disrupt AHI1 protein function. In summary, the available evidence is currently insufficient to determine the role of this variant in disease. Therefore, it has been classified as a Variant of Uncertain Significance.